The following is an entry in ClinVar:

NM_002858.4(ABCD3):c.1374C>T (p.Asp458=)

Gene: ABCD3 (ATP binding cassette subfamily D member 3; plus strand). Cytogenetic location: 1p21.3.
Variant type: single nucleotide variant.
Coding change: c.1374C>T on transcript NM_002858.4 (MANE Select); coding-DNA position 1374, C replaced by T.
Protein change: p.Asp458=; no amino-acid change (aspartic acid 458 retained).
Molecular consequence: synonymous variant.
Genome position (GRCh38, 1-based): chr1:94,491,235, C>T. VCF-style: chr1-94491235-C-T. GRCh37 (hg19) VCF-style: chr1-94956791-C-T.
Identifiers: ClinVar variation 732841 (VCV000732841.33), dbSNP rs149365004, ClinGen allele CA960416.

ClinVar aggregate classification (germline): Benign/Likely benign. Review status: criteria provided, multiple submitters, no conflicts (2 of 4 stars). 4 submissions from 4 submitters: Benign (2); Likely benign (2). Last evaluated 2026-01-20.

Allele frequency attached by ClinVar (database versions not stated): 1000 Genomes Project 0.00040; TOPMed 0.00146; ESP Exome Variant Server 0.00177; 1000 Genomes Project 30x 0.00031.
gnomAD v4.1: 2,741 of 1,611,180 alleles (0.17%); highest among the groups gnomAD compares: Non-Finnish European, 0.2%; 4 homozygotes.

Submissions (4):

Labcorp Genetics (formerly Invitae), Labcorp
Classification: Benign. Last evaluated: 2026-01-20. Review status: criteria provided, single submitter. Criteria: Invitae Variant Classification Sherloc (09022015). Collection method: clinical testing. Allele origin: germline.

Blueprint Genetics
Classification: Likely benign. Last evaluated: 2024-11-26. Review status: criteria provided, single submitter. Criteria: ACMG Guidelines, 2015. Collection method: clinical testing. Allele origin: germline.

CeGaT Center for Human Genetics Tuebingen
Classification: Likely benign. Last evaluated: 2022-08-01. Review status: criteria provided, single submitter. Criteria: CeGaT Center For Human Genetics Tuebingen Variant Classification Criteria Version 2. Collection method: clinical testing. Allele origin: germline. Affected: yes. Observed: 1 variant allele.
Comment: ABCD3: BP4, BP7

Breakthrough Genomics
Classification: Benign. Review status: criteria provided, single submitter. Criteria: ACMG Guidelines, 2015. Collection method: not provided. Allele origin: germline. Inheritance: Autosomal recessive inheritance. Affected: yes.